The following is an entry in ClinVar:

NM_000277.3(PAH):c.898G>T (p.Ala300Ser)

Genes: PAH (phenylalanine hydroxylase; minus strand), LOC126861615 (CDK7 strongly-dependent group 2 enhancer GRCh37_chr12:103244689-103245888; plus strand). Cytogenetic location: 12q23.2.
Variant type: single nucleotide variant.
Coding change: c.898G>T on transcript NM_000277.3 (MANE Select); coding-DNA position 898, G replaced by T.
Protein change: p.Ala300Ser; replaces alanine 300 with serine.
Molecular consequence: missense variant.
Genome position (GRCh38, 1-based): chr12:102,851,701, C>A on the plus strand (G>T on the coding strand, the complement: PAH is on the minus strand). VCF-style: chr12-102851701-C-A. GRCh37 (hg19) VCF-style: chr12-103245479-C-A.
Other names: p.A300S:GCC>TCC; NM_000277.1(PAH):c.898G>T; c.898G>T, p.Ala300Ser (NM_001354304.2); c.898G>T (NM_000277.2); short protein forms A300S.
Identifiers: ClinVar variation 92751 (VCV000092751.149), dbSNP rs5030853, ClinGen allele CA273108.

ClinVar aggregate classification (germline): Pathogenic. Review status: reviewed by expert panel (3 of 4 stars). 39 submissions from 39 submitters: Pathogenic (1). 38 of the submissions do not count toward it. Last evaluated 2018-08-10.

Conditions:
PAH-related disorder. Also called: PAH-related condition.
Inborn genetic diseases. Identifiers: MedGen C0950123, MeSH D030342.
Autosomal recessive PAH-related disorders.
Hyperphenylalaninemia. Also called: Hyperphenylalaninaemia; Hyperphenylalaninemia (HPA); Hyperphenylalaninemia, non-pku. Identifiers: MedGen C0751435, HP:0004923.
Phenylketonuria (PKU). Also called: Phenylketonuria (PKU); OLIGOPHRENIA PHENYLPYRUVICA; Phenylketonurias; FOLLING DISEASE. Identifiers: Orphanet 716, MedGen C0031485, MONDO:0009861, OMIM 261600. Disease mechanism: loss of function.

Allele frequency attached by ClinVar (database versions not stated): TOPMed 0.00039; gnomAD 0.00034 and 0.00032; ESP Exome Variant Server 0.00031; gnomAD exomes 0.00039 and 0.00059; ExAC 0.00045.
gnomAD v4.1: 638 of 1,613,792 alleles (0.04%); highest among the groups gnomAD compares: Middle Eastern, 0.23%; no homozygotes.

Submissions 1 to 8 of 39:

ClinGen PAH Variant Curation Expert Panel
Classification: Pathogenic for Phenylketonuria. Last evaluated: 2018-08-10. Review status: reviewed by expert panel. Criteria: ClinGen PAH ACMG Specifications v1. Collection method: curation. Allele origin: germline. Inheritance: Autosomal recessive inheritance.
Comment: PAH-specific ACMG/AMP criteria applied: PP3: Deleterious in SIFT, Polyphen2, MutationTaster; PP4_Moderate: A300S found on 56/588 hyperphenylalaninemic patients, BH4 deficiency excluded. Upgraded per ClinGen Metabolic WG. (PMID:21147011); PM3_VeryStrong: Detected with c.1066-11G>A (P), R261Q(P/LP), L48S (P), R176X (P) in 20 patients. (PMID:21147011); PS3: A300S in vitro PAH activity of 31% (PMID:17935162). In summary this variant meets criteria to be classified as pathogenic for phenylketonuria in an autosomal recessive manner based on the ACMG/AMP criteria applied as specified by the PAH Expert Panel: (PP3, PP4_Moderate, PM3_VeryStrong, PS3).

GeneDx
Classification: Pathogenic. Last evaluated: 2026-10-22. Review status: criteria provided, single submitter. Criteria: GeneDx Variant Classification Process June 2021. Collection method: clinical testing. Allele origin: germline. Not counted in ClinVar's aggregate classification.
Comment: Typically associated with either mild hyperphenylalaninemia or mild PKU (PMID: 25596310, 26666653, 8831077); In silico analysis supports that this missense variant has a deleterious effect on protein structure/function; This variant is associated with the following publications: (PMID: 23500595, 26803807, 27682710, 30963030, 18538294, 30667134, 30487145, 34828281, 25087612, 11486900, 24082139, 1301187, 23559577, 25750018, 27469133, 27121329, 28676969, 29431110, 29102225, 30037505, 31355225, 34426522, 31589614, 33101986, 32778825, 33465300, 25596310, 17935162, 26666653, 35405047, 36646061, 37189584, 36537053, 36845377, 25155776, 8831077, 38374194, 38523675, 40293582, 39039281, 38731816, 20217238, 39039323, 41056947, 40321317)

PreventionGenetics, part of Exact Sciences
Classification: Pathogenic for PAH-related condition. Last evaluated: 2026-06-16. Review status: criteria provided, single submitter. Criteria: ACMG Guidelines, 2015. Collection method: clinical testing. Allele origin: germline. Not counted in ClinVar's aggregate classification.
Comment: The PAH c.898G>T variant is predicted to result in the amino acid substitution p.Ala300Ser. This variant has been reported in the homozygous state or with a second PAH variant in many individuals with phenylalanine hydroxylase deficiency (Eisensmith and Woo. 1992. PubMed ID: 1301187; Zurfluh et al. 2008. PubMed ID: 17935162; Danecka et al. 2015. PubMed ID: 25596310; Table S3 in Hillert et al. 2020. PubMed ID: 32668217). The p.Ala300Ser amino acid substitution has been reported to result in a mutant PAH protein that is responsive to tetrahydrobiopterin (BH4) (Erlandsen et al. 2004. PubMedID: 15557004; Zurflüh et al. 2008. PubMed ID: 17935162). In various expression studies, the activity of the PAH enzyme with the p.Ala300Ser substitution varied from <20% to 65% (Danecka et al. 2015. PubMed ID: 25596310; Himmelreich et al. 2018. PubMed ID: 30037505). In the PAH locus-specific database (PAHvdb), this variant is classified as a variant associated with mild hyperphenylalaninemia. The ClinGen PAH Variant Curation Expert Panel and multiple other outside laboratories all classify this variant as pathogenic (Variation ID: 92751). Based on these observations, we also interpret the c.898G>T (p.Ala300Ser) variant as pathogenic.

Victorian Clinical Genetics Services, Murdoch Childrens Research Institute
Classification: Pathogenic for Phenylketonuria. Last evaluated: 2026-06-15. Review status: criteria provided, single submitter. Criteria: ACMG Guidelines, 2015. Collection method: clinical testing. Allele origin: germline. Affected: no. Not counted in ClinVar's aggregate classification.
Comment: This variant is classified as Pathogenic. Evidence in support of pathogenic classification: Variant is present in gnomAD <0.01 for a recessive condition (v4: 638 heterozygote(s), 0 homozygote(s)); This variant has strong previous evidence of pathogenicity in unrelated individuals. It has frequently been reported as pathogenic and classified as pathogenic for phenylketonuria by the ClinGen PAH Variant Curation Expert Panel (ClinVar); Other missense variants comparable to the one identified in this case have moderate previous evidence for pathogenicity. p.(Ala300Val) has been classified as likely pathogenic by an expert panel (ClinVar) and has been reported as compound heterozygous in association with moderate-severe PKU (PMID: 8533759). Another missense variant, p.(Ala300Gly), has been reported once by a clinical laboratory as likely pathogenic (ClinVar); Variant is located in the well-established functional biopterin_H domain (DECIPHER; PMID: 18538294); Missense variant predicted to be damaging by in silico tool(s) or highly conserved with a major amino acid change. Additional information: Variant is predicted to result in a missense amino acid change from Ala to Ser; This variant is heterozygous; This gene is associated with autosomal recessive disease; Loss of function is a known mechanism of disease in this gene and is associated with phenylketonuria and hyperphenylalaninaemia, non-PKU mild (MIM#261600).

CeGaT Center for Human Genetics Tuebingen
Classification: Pathogenic. Last evaluated: 2026-06-01. Review status: criteria provided, single submitter. Criteria: CeGaT Center For Human Genetics Tuebingen Variant Classification Criteria Version 2. Collection method: clinical testing. Allele origin: germline. Affected: yes. Observed: 14 variant alleles. Not counted in ClinVar's aggregate classification.
Comment: PAH: PM3:Very Strong, PS3, PP4:Moderate, PM2:Supporting, PP3

Labcorp Genetics (formerly Invitae), Labcorp
Classification: Pathogenic for Phenylketonuria. Last evaluated: 2026-01-28. Review status: criteria provided, single submitter. Criteria: Invitae Variant Classification Sherloc (09022015). Collection method: clinical testing. Allele origin: germline. Not counted in ClinVar's aggregate classification.
Comment: This sequence change replaces alanine, which is neutral and non-polar, with serine, which is neutral and polar, at codon 300 of the PAH protein (p.Ala300Ser). This variant is present in population databases (rs5030853, gnomAD 0.7%), and has an allele count higher than expected for a pathogenic variant. This missense change has been observed in individuals with PAH deficiency-related diseases (PMID: 22330942, 23764561, 25155776, 25596310, 27682710). ClinVar contains an entry for this variant (Variation ID: 92751). Invitae Evidence Modeling of protein sequence and biophysical properties (such as structural, functional, and spatial information, amino acid conservation, physicochemical variation, residue mobility, and thermodynamic stability) indicates that this missense variant is not expected to disrupt PAH protein function with a negative predictive value of 80%. Experimental studies have shown that this missense change affects PAH function (PMID: 15557004, 17935162, 18538294, 25596310, 26803807). For these reasons, this variant has been classified as Pathogenic.

3billion
Classification: Pathogenic for Phenylketonuria. Last evaluated: 2025-12-18. Review status: criteria provided, single submitter. Criteria: ACMG Guidelines, 2015. Collection method: clinical testing. Allele origin: germline. Affected: yes. Not counted in ClinVar's aggregate classification.
Comment: The variant is observed at an extremely low frequency in the gnomAD v4.1.0 dataset (total allele frequency: 0.040%). Predicted Consequence/Location: Missense variant Functional studies provide strong evidence of the variant having a damaging effect on the gene or gene product (PMID: 17935162). In silico tool predictions suggest damaging effect of the variant on gene or gene product [REVEL: 0.94 (>=0.6, sensitivity 0.68 and specificity 0.92); 3Cnet: 0.99 (> 0.75, sensitivity 0.96 and precision 0.92)]. The same nucleotide change resulting in the same amino acid change has been previously reported as pathogenic/likely pathogenic with strong evidence (ClinVar ID: VCV000092751 /PMID: 1301187 /3billion dataset). The variant has been reported to be in trans with a pathogenic variant as either compound heterozygous or homozygous in at least 4 similarly affected unrelated individuals (PMID: 21147011, 26481238). Different missense changes at the same codon (p.Ala300Asp, p.Ala300Gly, p.Ala300Val) have been reported as pathogenic/likely pathogenic with strong evidence (ClinVar ID: VCV000102887, VCV002070899 /PMID: 31332730, 8533759). Therefore, this variant is classified as Pathogenic according to the recommendation of ACMG/AMP guideline.

Dasa
Classification: Pathogenic. Last evaluated: 2025-12-08. Review status: criteria provided, single submitter. Criteria: DASA Assertion Criteria. Collection method: clinical testing. Allele origin: germline. Not counted in ClinVar's aggregate classification.
Comment: NM_000277.3(PAH):c.898G>T (p.Ala300Ser) is a missense variant that results in the substitution of alanine with serine. Functional evidence supports a deleterious effect on the gene or gene product (PMID: 21147011; PMID: 17935162). This variant has been recurrently observed in individuals with related phenotype (PMID: 21147011; PMID: 17935162). Multiple computational predictions support a deleterious effect on the gene or gene product. The variant is present at low frequency in population datasets. Based on the available data, this variant is classified as pathogenic.